The following is an entry in ClinVar:

NM_000166.6(GJB1):c.499A>G (p.Lys167Glu)

Gene: GJB1 (gap junction protein beta 1; plus strand). Cytogenetic location: Xq13.1.
Variant type: single nucleotide variant.
Coding change: c.499A>G on transcript NM_000166.6 (MANE Select); coding-DNA position 499, A replaced by G.
Protein change: p.Lys167Glu; replaces lysine 167 with glutamic acid.
Molecular consequence: missense variant.
Genome position (GRCh38, 1-based): chrX:71,224,206, A>G. VCF-style: chrX-71224206-A-G. GRCh37 (hg19) VCF-style: chrX-70444056-A-G.
Other names: c.499A>G, p.Lys167Glu (NM_001097642.3); short protein forms K167E.
Identifiers: ClinVar variation 637182 (VCV000637182.2), dbSNP rs1602349482, ClinGen allele CA413502800.

ClinVar aggregate classification (germline): Uncertain significance. Review status: criteria provided, single submitter (1 of 4 stars). 2 submissions from 2 submitters: Uncertain significance (1). 1 of the submissions does not count toward it. Last evaluated 2025-05-12.

Conditions:
Charcot-Marie-Tooth disease. Also called: Charcot-Marie-Tooth Neuropathy; Charcot-Marie-Tooth Hereditary Neuropathy. Identifiers: Orphanet 166, MedGen C0007959, MONDO:0015626.
Charcot-Marie-Tooth disease X-linked dominant 1. Also called: Charcot-Marie-Tooth Neuropathy X Type 1; GJB1 Disorders: Charcot-Marie-Tooth Neuropathy (CMT1X) and Central Nervous System Phenotypes; X-linked Charcot-Marie-Tooth disease type 1; CHARCOT-MARIE-TOOTH NEUROPATHY, X-LINKED, 1; CHARCOT-MARIE-TOOTH PERONEAL MUSCULAR ATROPHY, X-LINKED; HEREDITARY MOTOR AND SENSORY NEUROPATHY, X-LINKED. Identifiers: Orphanet 101075, MedGen C0393808, MONDO:0010549, OMIM 302800.

Submissions (2):

3billion
Classification: Uncertain significance for Charcot-Marie-Tooth disease X-linked dominant 1. Last evaluated: 2025-05-12. Review status: criteria provided, single submitter. Criteria: ACMG Guidelines, 2015. Collection method: clinical testing. Allele origin: germline. Affected: yes.
Comment: The variant is not observed in the gnomAD v4.1.0 dataset. Predicted Consequence/Location: Missense variant In silico tool predictions suggest damaging effect of the variant on gene or gene product [REVEL: 0.90 (>=0.6, sensitivity 0.68 and specificity 0.92); 3Cnet: 0.87 (> 0.75, sensitivity 0.96 and precision 0.92)]. The same nucleotide change resulting in the same amino acid change has been previously reported to be associated with GJB1-related disorder (PMID: 14960772). However, the evidence of pathogenicity is insufficient at this time. Therefore, this variant is classified as VUS according to the recommendation of ACMG/AMP guideline.

Inherited Neuropathy Consortium
Classification: Uncertain significance for Charcot-Marie-Tooth disease. Review status: no assertion criteria provided. Collection method: literature only. Allele origin: germline. Affected: yes. Not counted in ClinVar's aggregate classification.

Literature cited by the submitters: PubMed 14960772 (cited by 3billion and Inherited Neuropathy Consortium).